The following is an entry in ClinVar:

ClinVar aggregate classification (germline): Uncertain significance. Review status: criteria provided, multiple submitters, no conflicts (2 of 4 stars). 2 submissions from 2 submitters: Uncertain significance (2). Last evaluated 2023-02-06.

Submissions (2):

GeneDx
Classification: Uncertain significance. Last evaluated: 2023-02-06. Review status: criteria provided, single submitter. Criteria: GeneDx Variant Classification Process June 2021. Collection method: clinical testing. Allele origin: germline. Affected: yes.
Comment: Not observed at significant frequency in large population cohorts (gnomAD); In silico analysis supports that this missense variant does not alter protein structure/function; Has not been previously published as pathogenic or benign to our knowledge

Labcorp Genetics (formerly Invitae), Labcorp
Classification: Uncertain significance. Last evaluated: 2020-09-09. Review status: criteria provided, single submitter. Criteria: Invitae Variant Classification Sherloc (09022015). Collection method: clinical testing. Allele origin: germline.
Comment: This sequence change replaces asparagine with aspartic acid at codon 644 of the SPART protein (p.Asn644Asp). The asparagine residue is weakly conserved and there is a small physicochemical difference between asparagine and aspartic acid. This variant is not present in population databases (ExAC no frequency). This variant has not been reported in the literature in individuals with SPART-related conditions. Algorithms developed to predict the effect of missense changes on protein structure and function (SIFT, PolyPhen-2, Align-GVGD) all suggest that this variant is likely to be tolerated, but these predictions have not been confirmed by published functional studies and their clinical significance is uncertain. In summary, the available evidence is currently insufficient to determine the role of this variant in disease. Therefore, it has been classified as a Variant of Uncertain Significance.

NM_015087.5(SPART):c.1930A>G (p.Asn644Asp)

Gene: SPART (spartin; minus strand). Cytogenetic location: 13q13.3.
Variant type: single nucleotide variant.
Coding change: c.1930A>G on transcript NM_015087.5 (MANE Select); coding-DNA position 1930, A replaced by G.
Protein change: p.Asn644Asp; replaces asparagine 644 with aspartic acid.
Molecular consequence: missense variant.
Genome position (GRCh38, 1-based): chr13:36,304,436, T>C on the plus strand (A>G on the coding strand, the complement: SPART is on the minus strand). VCF-style: chr13-36304436-T-C. GRCh37 (hg19) VCF-style: chr13-36878573-T-C.
Other names: c.1930A>G (NM_015087.4); c.1930A>G, p.Asn644Asp (NM_001142294.2, NM_001142295.2, NM_001142296.2); short protein forms N644D.
Identifiers: ClinVar variation 1056084 (VCV001056084.10), dbSNP rs2137251573, ClinGen allele CA387852962.